The following is an entry in ClinVar:

ClinVar aggregate classification (germline): Uncertain significance. Review status: criteria provided, multiple submitters, no conflicts (2 of 4 stars). 3 submissions from 3 submitters: Uncertain significance (3). Last evaluated 2025-11-17.

Allele frequency attached by ClinVar (database versions not stated): gnomAD exomes 0.00002; ExAC 0.00003; gnomAD 0.00007; TOPMed 0.00008; ESP Exome Variant Server 0.00016.
gnomAD v4.1: 59 of 1,605,778 alleles (0.0037%); highest among the groups gnomAD compares: Admixed American, 0.005%; no homozygotes.

Submissions (3):

GeneDx
Classification: Uncertain significance. Last evaluated: 2025-11-17. Review status: criteria provided, single submitter. Criteria: GeneDx Variant Classification Process June 2021. Collection method: clinical testing. Allele origin: germline.
Comment: Not observed at significant frequency in large population cohorts (gnomAD); In silico analysis supports that this missense variant has a deleterious effect on protein structure/function; Has not been previously published as pathogenic or benign to our knowledge

Ambry Genetics
Classification: Uncertain significance. Last evaluated: 2025-04-13. Review status: criteria provided, single submitter. Criteria: Ambry Variant Classification Scheme 2023. Collection method: clinical testing. Allele origin: germline.

Labcorp Genetics (formerly Invitae), Labcorp
Classification: Uncertain significance. Last evaluated: 2022-01-24. Review status: criteria provided, single submitter. Criteria: Invitae Variant Classification Sherloc (09022015). Collection method: clinical testing. Allele origin: germline.
Comment: This sequence change replaces glutamic acid, which is acidic and polar, with lysine, which is basic and polar, at codon 1092 of the SBF1 protein (p.Glu1092Lys). This variant is present in population databases (rs371576175, gnomAD 0.007%). This variant has not been reported in the literature in individuals affected with SBF1-related conditions. Algorithms developed to predict the effect of missense changes on protein structure and function (SIFT, PolyPhen-2, Align-GVGD) all suggest that this variant is likely to be tolerated. In summary, the available evidence is currently insufficient to determine the role of this variant in disease. Therefore, it has been classified as a Variant of Uncertain Significance.

NM_002972.4(SBF1):c.3274G>A (p.Glu1092Lys)

Gene: SBF1 (SET binding factor 1; minus strand). Cytogenetic location: 22q13.33.
Variant type: single nucleotide variant.
Coding change: c.3274G>A on transcript NM_002972.4 (MANE Select); coding-DNA position 3274, G replaced by A.
Protein change: p.Glu1092Lys; replaces glutamic acid 1092 with lysine.
Molecular consequence: missense variant.
Genome position (GRCh38, 1-based): chr22:50,460,281, C>T on the plus strand (G>A on the coding strand, the complement: SBF1 is on the minus strand). VCF-style: chr22-50460281-C-T. GRCh37 (hg19) VCF-style: chr22-50898710-C-T.
Other names: c.3277G>A, p.Glu1093Lys (NM_001365819.1); c.3274G>A (NM_002972.2); short protein forms E1093K, E1092K.
Identifiers: ClinVar variation 1397575 (VCV001397575.7), dbSNP rs371576175, ClinGen allele CA10316799.